The following is an entry in ClinVar:

ClinVar aggregate classification (germline): Uncertain significance (1 of 4 stars; one submission).

Submission:

Labcorp Genetics (formerly Invitae), Labcorp
Classification: Uncertain significance. Last evaluated: 2024-02-08. Review status: criteria provided, single submitter. Criteria: Invitae Variant Classification Sherloc (09022015). Collection method: clinical testing. Allele origin: germline.
Comment: This sequence change replaces arginine, which is basic and polar, with glutamine, which is neutral and polar, at codon 252 of the STAG2 protein (p.Arg252Gln). This variant is not present in population databases (gnomAD no frequency). This variant has not been reported in the literature in individuals affected with STAG2-related conditions. Advanced modeling of protein sequence and biophysical properties (such as structural, functional, and spatial information, amino acid conservation, physicochemical variation, residue mobility, and thermodynamic stability) performed at Invitae indicates that this missense variant is not expected to disrupt STAG2 protein function with a negative predictive value of 80%. In summary, the available evidence is currently insufficient to determine the role of this variant in disease. Therefore, it has been classified as a Variant of Uncertain Significance.

NM_001042750.2(STAG2):c.755G>A (p.Arg252Gln)

Gene: STAG2 (STAG2 cohesin complex component; plus strand). Cytogenetic location: Xq25.
Variant type: single nucleotide variant.
Coding change: c.755G>A on transcript NM_001042750.2 (MANE Select); coding-DNA position 755, G replaced by A.
Protein change: p.Arg252Gln; replaces arginine 252 with glutamine.
Molecular consequence: missense variant.
Genome position (GRCh38, 1-based): chrX:124,047,441, G>A. VCF-style: chrX-124047441-G-A. GRCh37 (hg19) VCF-style: chrX-123181291-G-A.
Other names: c.755G>A, p.Arg252Gln (NM_001042749.2, NM_001042751.2, NM_001282418.2 and 13 more transcripts); short protein forms R252Q.
Identifiers: ClinVar variation 3639636 (VCV003639636.2).
Genomic context (GRCh38, chrX:124,047,441, plus strand): 5'-ATGTGGCACTAAATCTTAGCATTAATATGGATAATACACAAAGACAATATGAAGCAGAAC[G>A]GAATAAAATGATTGGAAAACGAGCCAATGAGAGGCTAGAACTCCTGCTACAAAAGCGGAA-3'
Protein context (NP_001036215.1, residues 242-262): DNTQRQYEAE[Arg252Gln]NKMIGKRANE